The following is an entry in ClinVar:

NM_003361.4(UMOD):c.88+1G>A

Gene: UMOD (uromodulin; minus strand). Cytogenetic location: 16p12.3.
Variant type: single nucleotide variant.
Coding change: c.88+1G>A on transcript NM_003361.4 (MANE Select); the canonical splice donor site of the intron after coding-DNA position 88, G replaced by A.
Molecular consequence: splice donor variant.
Genome position (GRCh38, 1-based): chr16:20,350,649, C>T on the plus strand (G>A on the coding strand, the complement: UMOD is on the minus strand). VCF-style: chr16-20350649-C-T. GRCh37 (hg19) VCF-style: chr16-20361971-C-T.
Other names: c.88+1G>A (NM_001008389.3, NM_001378234.1, NM_001378235.1 and 4 more transcripts).
Identifiers: ClinVar variation 3353940 (VCV003353940.1).

ClinVar aggregate classification (germline): Uncertain significance (0 of 4 stars; one submission).

Conditions:
UMOD-related disorder. Also called: UMOD-related condition.

gnomAD v4.1: 2 of 1,614,158 alleles (0.00012%); highest among the groups gnomAD compares: East Asian, 0.0022%; no homozygotes.

Submission:

PreventionGenetics, part of Exact Sciences
Classification: Uncertain significance for UMOD-related condition. Last evaluated: 2024-06-16. Review status: no assertion criteria provided. Collection method: clinical testing. Allele origin: germline.
Comment: The UMOD c.88+1G>A variant is predicted to disrupt the GT donor site and interfere with normal splicing. To our knowledge, this variant has not been reported in the literature or in a large population database, indicating this variant is rare. At this time, the clinical significance of this variant is uncertain due to the absence of conclusive functional and genetic evidence.